The following is an entry in ClinVar:

ClinVar aggregate classification (germline): Likely pathogenic (1 of 4 stars; one submission).

Conditions:
3M syndrome 2. Also called: 3-M Syndrome, OBSL1-Related; THREE M SYNDROME 2. Identifiers: Orphanet 2616, MedGen C2752041, MONDO:0013039, OMIM 612921.

Submission:

Juno Genomics, Hangzhou Juno Genomics, Inc
Classification: Likely pathogenic for 3M syndrome 2. Review status: criteria provided, single submitter. Criteria: ACMG Guidelines, 2015. Collection method: clinical testing. Allele origin: germline.
Comment: Null variant in a gene where loss of function (LOF) is a known mechanism of disease.;Absent from controls (or at extremely low frequency if recessive) in Genome Aggregation Database.

NM_015311.3(OBSL1):c.1582_1583del (p.Lys528fs)

Gene: OBSL1 (obscurin like cytoskeletal adaptor 1; minus strand). Cytogenetic location: 2q35.
Variant type: Deletion.
Coding change: c.1582_1583del on transcript NM_015311.3 (MANE Select); coding-DNA positions 1582 to 1583, 2 bases deleted (AA; older notation c.1582_1583delAA).
Protein change: p.Lys528fs; shifts the reading frame from lysine 528.
Molecular consequence: frameshift variant.
Genome position (GRCh38, 1-based): chr2:219,567,527-219,567,528, TT deleted on the plus strand (AA on the coding strand, the reverse complement: OBSL1 is on the minus strand). VCF-style (leftmost placement, unchanged base first): chr2-219567526-CTT-C. GRCh37 (hg19) VCF-style: chr2-220432248-CTT-C.
Other names: c.1582_1583del, p.Lys528fs (NM_001173408.2, NM_001173431.2); short protein forms K528fs.
Identifiers: ClinVar variation 5006230 (VCV005006230.2).